The following is an entry in ClinVar:

NM_000400.4(ERCC2):c.2063A>G (p.Asp688Gly)

Gene: ERCC2 (ERCC excision repair 2, TFIIH core complex helicase subunit; minus strand). Cytogenetic location: 19q13.32.
Variant type: single nucleotide variant.
Coding change: c.2063A>G on transcript NM_000400.4 (MANE Select); coding-DNA position 2063, A replaced by G.
Protein change: p.Asp688Gly; replaces aspartic acid 688 with glycine.
Molecular consequence: missense variant.
Genome position (GRCh38, 1-based): chr19:45,352,336, T>C on the plus strand (A>G on the coding strand, the complement: ERCC2 is on the minus strand). VCF-style: chr19-45352336-T-C. GRCh37 (hg19) VCF-style: chr19-45855594-T-C.
Other names: short protein forms D688G.
Identifiers: ClinVar variation 2452356 (VCV002452356.2), dbSNP rs2513998122, ClinGen allele CA406362479.
Genomic context (GRCh38, chr19:45,352,336, plus strand): 5'-AGGTTGAGGTTGGCATCTGTGAGGTGCTCCTGGATCCAGCGGGGCAGCTTCCCCCGCTTG[T>C]CCCCACGGGCAAACCGCTGTGGGCAGAAGCGCAGGCCAGGGACAGAAGGTCATTCGGGGA-3'
Protein context (NP_000391.1, residues 678-698): VFADKRFARG[Asp688Gly]KRGKLPRWIQ

ClinVar aggregate classification (germline): Uncertain significance (1 of 4 stars; one submission).

Conditions:
Inborn genetic diseases. Identifiers: MedGen C0950123, MeSH D030342.

Allele frequency attached by ClinVar (database versions not stated): gnomAD exomes below 0.00001.
gnomAD v4.1: 1 of 1,613,976 alleles (0.000062%); highest among the groups gnomAD compares: Non-Finnish European, 0.000085%; no homozygotes.

Submission:

Ambry Genetics
Classification: Uncertain significance for Inborn genetic diseases. Last evaluated: 2022-12-26. Review status: criteria provided, single submitter. Criteria: Ambry Variant Classification Scheme 2023. Collection method: clinical testing. Allele origin: germline.
Comment: The p.D688G variant (also known as c.2063A>G), located in coding exon 22 of the ERCC2 gene, results from an A to G substitution at nucleotide position 2063. The aspartic acid at codon 688 is replaced by glycine, an amino acid with similar properties. This amino acid position is conserved. In addition, the in silico prediction for this alteration is inconclusive. Since supporting evidence is limited at this time, the clinical significance of this alteration remains unclear.